The following is an entry in ClinVar:

ClinVar aggregate classification (germline): Uncertain significance (1 of 4 stars; one submission).

gnomAD v4.1: 4 of 1,614,104 alleles (0.00025%); no homozygotes.

Submission:

Labcorp Genetics (formerly Invitae), Labcorp
Classification: Uncertain significance. Last evaluated: 2025-01-21. Review status: criteria provided, single submitter. Criteria: Invitae Variant Classification Sherloc (09022015). Collection method: clinical testing. Allele origin: germline.
Comment: This sequence change replaces valine, which is neutral and non-polar, with alanine, which is neutral and non-polar, at codon 328 of the MTMR14 protein (p.Val328Ala). This variant is present in population databases (no rsID available, gnomAD 0.01%). This variant has not been reported in the literature in individuals affected with MTMR14-related conditions. Invitae Evidence Modeling of protein sequence and biophysical properties (such as structural, functional, and spatial information, amino acid conservation, physicochemical variation, residue mobility, and thermodynamic stability) indicates that this missense variant is not expected to disrupt MTMR14 protein function with a negative predictive value of 80%. In summary, the available evidence is currently insufficient to determine the role of this variant in disease. Therefore, it has been classified as a Variant of Uncertain Significance.

NM_001077525.3(MTMR14):c.983T>C (p.Val328Ala)

Gene: MTMR14 (myotubularin related protein 14; plus strand). Cytogenetic location: 3p25.3.
Variant type: single nucleotide variant.
Coding change: c.983T>C on transcript NM_001077525.3 (MANE Select); coding-DNA position 983, T replaced by C.
Protein change: p.Val328Ala; replaces valine 328 with alanine.
Molecular consequence: missense variant. On other transcripts: non-coding transcript variant (9).
Genome position (GRCh38, 1-based): chr3:9,684,603, T>C. VCF-style: chr3-9684603-T-C. GRCh37 (hg19) VCF-style: chr3-9726287-T-C.
Other names: c.983T>C, p.Val328Ala (NM_022485.5, NM_001077526.3); c.980T>C, p.Val327Ala (NM_001400522.1, NM_001400519.1); c.908T>C, p.Val303Ala (NM_001400523.1, NM_001400528.1, NM_001400520.1); c.737T>C, p.Val246Ala (NM_001400524.1, NM_001400527.1, NM_001400530.1); c.701T>C, p.Val234Ala (NM_001400525.1, NM_001400529.1, NM_001400532.1); c.977T>C, p.Val326Ala (NM_001400526.1); c.734T>C, p.Val245Ala (NM_001400531.1); c.341T>C, p.Val114Ala (NM_001400541.1, NM_001400542.1, NM_001400543.1 and 7 more transcripts); and 5 more; short protein forms V234A, V245A, V328A, V351A, V209A, V221A, V246A, V303A.
Identifiers: ClinVar variation 3638819 (VCV003638819.2).